The following is an entry in ClinVar:

ClinVar aggregate classification (germline): Uncertain significance (1 of 4 stars; one submission).

Submission:

GeneDx
Classification: Uncertain significance. Last evaluated: 2024-09-13. Review status: criteria provided, single submitter. Criteria: GeneDx Variant Classification Process June 2021. Collection method: clinical testing. Allele origin: germline. Affected: yes.
Comment: Not observed at significant frequency in large population cohorts (gnomAD); In silico analysis indicates that this missense variant does not alter protein structure/function; Has not been previously published as pathogenic or benign to our knowledge

NM_015346.4(ZFYVE26):c.1681C>A (p.Gln561Lys)

Gene: ZFYVE26 (zinc finger FYVE-type containing 26; minus strand). Cytogenetic location: 14q24.1.
Variant type: single nucleotide variant.
Coding change: c.1681C>A on transcript NM_015346.4 (MANE Select); coding-DNA position 1681, C replaced by A.
Protein change: p.Gln561Lys; replaces glutamine 561 with lysine.
Molecular consequence: missense variant.
Genome position (GRCh38, 1-based): chr14:67,798,581, G>T on the plus strand (C>A on the coding strand, the complement: ZFYVE26 is on the minus strand). VCF-style: chr14-67798581-G-T. GRCh37 (hg19) VCF-style: chr14-68265298-G-T.
Other names: short protein forms Q561K.
Identifiers: ClinVar variation 3770034 (VCV003770034.1).
Genomic context (GRCh38, chr14:67,798,581, plus strand): 5'-ATGAGAAGATGTTTTCCAGAAGCTCCAGGCACAGAGAGTCAGGAATACTGCACAGATACT[G>T]TTGACACCTGGCCAGGTAAGTTGAGAAGAGATTTGCAGCACCTACAAAAACATGTACAAG-3'
Protein context (NP_056161.2, residues 551-571): LFSTYLARCQ[Gln561Lys]YLCSIPDSLC